The following is an entry in ClinVar:

NM_004304.5(ALK):c.1719C>T (p.Thr573=)

Gene: ALK (ALK receptor tyrosine kinase; minus strand). Cytogenetic location: 2p23.2.
Variant type: single nucleotide variant.
Coding change: c.1719C>T on transcript NM_004304.5 (MANE Select); coding-DNA position 1719, C replaced by T.
Protein change: p.Thr573=; no amino-acid change (threonine 573 retained).
Molecular consequence: synonymous variant.
Genome position (GRCh38, 1-based): chr2:29,296,986, G>A on the plus strand (C>T on the coding strand, the complement: ALK is on the minus strand). VCF-style: chr2-29296986-G-A. GRCh37 (hg19) VCF-style: chr2-29519852-G-A.
Other names: p.Thr573=.
Identifiers: ClinVar variation 239791 (VCV000239791.26), dbSNP rs74830770, ClinGen allele CA1594553.
Genomic context (GRCh38, chr2:29,296,986, plus strand): 5'-CCACAGGCTCAAGCCTTCATAGGCGGCGACATGCCAGACCATCCTGCCTTGCTCCTTCCC[G>A]GTTTTGTTCTCCACTAGCACCAAGGACACGTTTCCCCTCAAGACTCCACGAATGAGCCAG-3'
Protein context (NP_004295.2, residues 563-583): NVSLVLVENK[Thr573=]GKEQGRMVWH

ClinVar aggregate classification (germline): Benign/Likely benign. Review status: criteria provided, multiple submitters, no conflicts (2 of 4 stars). 10 submissions from 10 submitters: Benign (6); Likely benign (3). 1 of the submissions does not count toward it. Last evaluated 2026-09-01.

Conditions:
ALK-related disorder. Also called: ALK-related condition.
Hereditary cancer-predisposing syndrome. Also called: Hereditary neoplastic syndrome; Hereditary Cancer Syndrome; Neoplastic Syndromes, Hereditary; Tumor predisposition. Identifiers: Orphanet 140162, MedGen C0027672, MeSH D009386, MONDO:0015356.
Neuroblastoma, susceptibility to, 3. Also called: ALK-Related Neuroblastic Tumor Susceptibility. Identifiers: Orphanet 635, MedGen C2751681, MONDO:0013083, OMIM 613014.

Allele frequency attached by ClinVar (database versions not stated): gnomAD exomes 0.00155; ExAC 0.00198; gnomAD 0.00543 and 0.00577; TOPMed 0.00634; ESP Exome Variant Server 0.00669; 1000 Genomes Project 30x 0.00765; 1000 Genomes Project 0.00779.
gnomAD v4.1: 1,677 of 1,614,146 alleles (0.1%); highest among the groups gnomAD compares: African/African-American, 1.9%; 16 homozygotes.

Submissions (10):

CeGaT Center for Human Genetics Tuebingen
Classification: Benign. Last evaluated: 2026-09-01. Review status: criteria provided, single submitter. Criteria: CeGaT Center For Human Genetics Tuebingen Variant Classification Criteria Version 2. Collection method: clinical testing. Allele origin: germline. Affected: yes. Observed: 1 variant allele.
Comment: ALK: BP4, BP7, BS1, BS2

Labcorp Genetics (formerly Invitae), Labcorp
Classification: Benign for Neuroblastoma, susceptibility to, 3. Last evaluated: 2026-02-03. Review status: criteria provided, single submitter. Criteria: Invitae Variant Classification Sherloc (09022015). Collection method: clinical testing. Allele origin: germline.

Mayo Clinic Laboratories, Mayo Clinic
Classification: Likely benign. Last evaluated: 2025-09-04. Review status: criteria provided, single submitter. Criteria: ACMG Guidelines, 2015. Collection method: clinical testing. Allele origin: germline. Observed: 1 variant allele.
Comment: BS1, BP4, BP7

KCCC/NGS Laboratory, Kuwait Cancer Control Center
Classification: Benign for Neuroblastoma, susceptibility to, 3. Last evaluated: 2023-07-07. Review status: criteria provided, single submitter. Criteria: ACMG Guidelines, 2015. Collection method: clinical testing. Allele origin: germline. Affected: yes.

Women's Health and Genetics/Laboratory Corporation of America, LabCorp
Classification: Benign. Last evaluated: 2022-11-19. Review status: criteria provided, single submitter. Criteria: LabCorp Variant Classification Summary - May 2015. Collection method: clinical testing. Allele origin: germline.

Genetic Services Laboratory, University of Chicago
Classification: Benign. Last evaluated: 2021-07-19. Review status: criteria provided, single submitter. Criteria: ACMG Guidelines, 2015. Collection method: clinical testing. Allele origin: germline. Affected: no.

Ambry Genetics
Classification: Benign for Hereditary cancer-predisposing syndrome. Last evaluated: 2018-09-24. Review status: criteria provided, single submitter. Criteria: Ambry Variant Classification Scheme 2023. Collection method: clinical testing. Allele origin: germline.

GeneDx
Classification: Likely benign. Last evaluated: 2018-01-08. Review status: criteria provided, single submitter. Criteria: GeneDx Variant Classification (06012015). Collection method: clinical testing. Allele origin: germline. Affected: yes.
Comment: This variant is considered likely benign or benign based on one or more of the following criteria: it is a conservative change, it occurs at a poorly conserved position in the protein, it is predicted to be benign by multiple in silico algorithms, and/or has population frequency not consistent with disease.

Breakthrough Genomics
Classification: Likely benign. Review status: criteria provided, single submitter. Criteria: ACMG Guidelines, 2015. Collection method: not provided. Allele origin: germline. Inheritance: Unknown mechanism. Affected: yes.

PreventionGenetics, part of Exact Sciences
Classification: Benign for ALK-related condition. Last evaluated: 2019-03-08. Review status: no assertion criteria provided. Collection method: clinical testing. Allele origin: germline. Not counted in ClinVar's aggregate classification.
Comment: This variant is classified as benign based on ACMG/AMP sequence variant interpretation guidelines (Richards et al. 2015 PMID: 25741868, with internal and published modifications).